The following is an entry in ClinVar:

ClinVar aggregate classification (germline): Uncertain significance (1 of 4 stars; one submission).

Allele frequency attached by ClinVar (database versions not stated): TOPMed below 0.00001; gnomAD 0.00001; gnomAD exomes 0.00001; ExAC 0.00006; 1000 Genomes Project 30x 0.00016; 1000 Genomes Project 0.00020.
gnomAD v4.1: 1 of 1,535,790 alleles (0.000065%); highest among the groups gnomAD compares: African/African-American, 0.0014%; no homozygotes.

Submission:

Women's Health and Genetics/Laboratory Corporation of America, LabCorp
Classification: Uncertain significance. Last evaluated: 2022-06-08. Review status: criteria provided, single submitter. Criteria: LabCorp Variant Classification Summary - May 2015. Collection method: clinical testing. Allele origin: germline.
Comment: Variant summary: CEACAM16 c.623G>A (p.Ser208Asn) results in a conservative amino acid change located in the Immunoglobulin subtype 2 (IPR003598) of the encoded protein sequence. Three of four in-silico tools predict a benign effect of the variant on protein function. The variant allele was found at a frequency of 6.8e-06 in 146016 control chromosomes (gnomAD). The available data on variant occurrences in the general population are insufficient to allow any conclusion about variant significance. To our knowledge, no occurrence of c.623G>A in individuals affected with Autosomal Dominant Nonsyndromic Hearing Loss 4B and no experimental evidence demonstrating its impact on protein function have been reported. No clinical diagnostic laboratories have submitted clinical-significance assessments for this variant to ClinVar after 2014. Based on the evidence outlined above, the variant was classified as uncertain significance.

NM_001039213.4(CEACAM16):c.623G>A (p.Ser208Asn)

Genes: CEACAM16 (CEA cell adhesion molecule 16, tectorial membrane component; plus strand), CEACAM16-AS1 (CEACAM16, CEACAM19 and PVR antisense RNA 1; minus strand). Cytogenetic location: 19q13.32.
Variant type: single nucleotide variant.
Coding change: c.623G>A on transcript NM_001039213.4 (MANE Select); coding-DNA position 623, G replaced by A.
Protein change: p.Ser208Asn; replaces serine 208 with asparagine.
Molecular consequence: missense variant.
Genome position (GRCh38, 1-based): chr19:44,704,258, G>A. VCF-style: chr19-44704258-G-A. GRCh37 (hg19) VCF-style: chr19-45207528-G-A.
Other names: short protein forms S208N.
Identifiers: ClinVar variation 1698517 (VCV001698517.1), dbSNP rs573717477, ClinGen allele CA9503109.